The following is an entry in ClinVar:

NM_001378457.1(DMXL2):c.1642G>A (p.Val548Ile)

Gene: DMXL2 (Dmx like 2; minus strand). Cytogenetic location: 15q21.2.
Variant type: single nucleotide variant.
Coding change: c.1642G>A on transcript NM_001378457.1 (MANE Select); coding-DNA position 1642, G replaced by A.
Protein change: p.Val548Ile; replaces valine 548 with isoleucine.
Molecular consequence: missense variant. On other transcripts: non-coding transcript variant (2).
Genome position (GRCh38, 1-based): chr15:51,536,838, C>T on the plus strand (G>A on the coding strand, the complement: DMXL2 is on the minus strand). VCF-style: chr15-51536838-C-T. GRCh37 (hg19) VCF-style: chr15-51829035-C-T.
Other names: c.1642G>A (NM_001174116.1); c.1642G>A, p.Val548Ile (NM_001174116.3, NM_001174117.3, NM_001378458.1 and 6 more transcripts); c.1402G>A, p.Val468Ile (NM_001378464.1); short protein forms V468I, V548I.
Identifiers: ClinVar variation 1915131 (VCV001915131.7), dbSNP rs748961831, ClinGen allele CA7562535.
Genomic context (GRCh38, chr15:51,536,838, plus strand): 5'-TACAGGCATACATCATGATATTTTTACTAAGAGAGCTTGCATCACCAGAGGGAAATGCAA[C>T]AGGAATCCGAGAAGAAAAAGAAACCTGAAAAACATAATTATATGATTCAGTGCAAATAGT-3'
Protein context (NP_001365386.1, residues 538-558): VQVSFSSRIP[Val548Ile]AFPSGDASSL

ClinVar aggregate classification (germline): Uncertain significance. Review status: criteria provided, multiple submitters, no conflicts (2 of 4 stars). 3 submissions from 3 submitters: Uncertain significance (3). Last evaluated 2026-04-14.

Conditions:
DMXL2-related disorder. Also called: DMXL2-related condition.

Allele frequency attached by ClinVar (database versions not stated): gnomAD exomes below 0.00001; ExAC 0.00001; gnomAD 0.00002; TOPMed 0.00004.
gnomAD v4.1: 5 of 1,604,970 alleles (0.00031%); highest among the groups gnomAD compares: African/African-American, 0.0067%; no homozygotes.

Submissions (3):

GeneDx
Classification: Uncertain significance. Last evaluated: 2026-04-14. Review status: criteria provided, single submitter. Criteria: GeneDx Variant Classification Process June 2021. Collection method: clinical testing. Allele origin: germline.
Comment: In silico analysis suggests that this missense variant does not alter protein structure/function; Has not been previously published as pathogenic or benign to our knowledge

PreventionGenetics, part of Exact Sciences
Classification: Uncertain significance for DMXL2-related condition. Last evaluated: 2026-04-07. Review status: criteria provided, single submitter. Criteria: ACMG Guidelines, 2015. Collection method: clinical testing. Allele origin: germline.
Comment: The DMXL2 c.1642G>A variant is predicted to result in the amino acid substitution p.Val548Ile. To our knowledge, this variant has not been reported in the literature. This variant is reported in 0.012% of alleles in individuals of African descent in gnomAD. At this time, the clinical significance of this variant is uncertain due to the absence of conclusive functional and genetic evidence.

Labcorp Genetics (formerly Invitae), Labcorp
Classification: Uncertain significance. Last evaluated: 2025-05-07. Review status: criteria provided, single submitter. Criteria: Invitae Variant Classification Sherloc (09022015). Collection method: clinical testing. Allele origin: germline.
Comment: This sequence change replaces valine, which is neutral and non-polar, with isoleucine, which is neutral and non-polar, at codon 548 of the DMXL2 protein (p.Val548Ile). This variant is present in population databases (rs748961831, gnomAD 0.01%). This variant has not been reported in the literature in individuals affected with DMXL2-related conditions. ClinVar contains an entry for this variant (Variation ID: 1915131). An algorithm developed to predict the effect of missense changes on protein structure and function (PolyPhen-2) suggests that this variant is likely to be tolerated. In summary, the available evidence is currently insufficient to determine the role of this variant in disease. Therefore, it has been classified as a Variant of Uncertain Significance.